The following is an entry in ClinVar:

NM_000243.3(MEFV):c.1760-39T>C

Genes: MEFV (MEFV innate immunity regulator, pyrin; minus strand), LOC126862264 (CDK7 strongly-dependent group 2 enhancer GRCh37_chr16:3293322-3294521; plus strand). Cytogenetic location: 16p13.3.
Variant type: single nucleotide variant.
Coding change: c.1760-39T>C on transcript NM_000243.3 (MANE Select); 39 bases into the intron before coding-DNA position 1760, T replaced by C.
Molecular consequence: intron variant. On other transcripts: synonymous variant (1).
Genome position (GRCh38, 1-based): chr16:3,243,931, A>G on the plus strand (T>C on the coding strand, the complement: MEFV is on the minus strand). VCF-style: chr16-3243931-A-G. GRCh37 (hg19) VCF-style: chr16-3293931-A-G.
Other names: c.1263T>C, p.Asn421= (NM_001198536.2).
Identifiers: ClinVar variation 3061166 (VCV003061166.2), dbSNP rs1380075115, ClinGen allele CA620713081.

ClinVar aggregate classification (germline): Likely benign (0 of 4 stars; one submission).

Conditions:
MEFV-related disorder. Also called: MEFV-related disorders; MEFV-related condition.

Allele frequency attached by ClinVar (database versions not stated): gnomAD exomes below 0.00001; TOPMed below 0.00001.
gnomAD v4.1: 4 of 1,612,436 alleles (0.00025%); highest among the groups gnomAD compares: Admixed American, 0.0017%; no homozygotes.

Submission:

PreventionGenetics, part of Exact Sciences
Classification: Likely benign for MEFV-related condition. Last evaluated: 2023-05-02. Review status: no assertion criteria provided. Collection method: clinical testing. Allele origin: germline.
Comment: This variant is classified as likely benign based on ACMG/AMP sequence variant interpretation guidelines (Richards et al. 2015 PMID: 25741868, with internal and published modifications).